The following is an entry in ClinVar:

NM_015100.4(POGZ):c.3978T>C (p.Ala1326=)

Gene: POGZ (pogo transposable element derived with ZNF domain; minus strand). Cytogenetic location: 1q21.3.
Variant type: single nucleotide variant.
Coding change: c.3978T>C on transcript NM_015100.4 (MANE Select); coding-DNA position 3978, T replaced by C.
Protein change: p.Ala1326=; no amino-acid change (alanine 1326 retained).
Molecular consequence: synonymous variant.
Genome position (GRCh38, 1-based): chr1:151,405,057, A>G on the plus strand (T>C on the coding strand, the complement: POGZ is on the minus strand). VCF-style: chr1-151405057-A-G. GRCh37 (hg19) VCF-style: chr1-151377533-A-G.
Other names: c.3999T>C, p.Ala1333= (NM_001410860.1); c.3693T>C, p.Ala1231= (NM_145796.4); c.3819T>C, p.Ala1273= (NM_207171.2); c.3951T>C, p.Ala1317= (NM_001194937.2); c.3792T>C, p.Ala1264= (NM_001194938.2).
Identifiers: ClinVar variation 4084273 (VCV004084273.8).
Genomic context (GRCh38, chr1:151,405,057, plus strand): 5'-CTGCATGTCAGCATTTCTTGTAGGTGAGTTAATGTTGCCATCGGGGCCAGGCAGAACACT[A>G]GCCACCAGGAAGGAGCGCTGAACTAGCTCTGGACAGTCCCCAATGACACCTAGCACTTCA-3'
Protein context (NP_055915.2, residues 1316-1336): PELVQRSFLV[Ala1326=]SVLPGPDGNI

ClinVar aggregate classification (germline): Likely benign (1 of 4 stars; one submission).

Submission:

CeGaT Center for Human Genetics Tuebingen
Classification: Likely benign. Last evaluated: 2025-08-01. Review status: criteria provided, single submitter. Criteria: CeGaT Center For Human Genetics Tuebingen Variant Classification Criteria Version 2. Collection method: clinical testing. Allele origin: germline. Affected: yes. Observed: 1 variant allele.
Comment: POGZ: BP4, BP7